The following is an entry in ClinVar:

ClinVar aggregate classification (germline): Uncertain significance (1 of 4 stars; one submission).

Conditions:
Hereditary cancer-predisposing syndrome. Also called: Tumor predisposition; Hereditary Cancer Syndrome; Neoplastic Syndromes, Hereditary; Hereditary neoplastic syndrome. Identifiers: Orphanet 140162, MedGen C0027672, MeSH D009386, MONDO:0015356.

Allele frequency attached by ClinVar (database versions not stated): gnomAD 0.00001.

Submission:

Ambry Genetics
Classification: Uncertain significance for Hereditary cancer-predisposing syndrome. Last evaluated: 2024-12-04. Review status: criteria provided, single submitter. Criteria: Ambry Variant Classification Scheme 2023. Collection method: clinical testing. Allele origin: germline.
Comment: The c.2823+4A>G intronic variant results from an A to G substitution 4 nucleotides after coding exon 13 in the BLM gene. This nucleotide position is not well conserved in available vertebrate species. In silico splice site analysis predicts that this alteration will not have any significant effect on splicing. Based on the available evidence, the clinical significance of this variant remains unclear.

NM_000057.4(BLM):c.2823+4A>G

Gene: BLM (BLM RecQ like helicase; plus strand). Cytogenetic location: 15q26.1.
Variant type: single nucleotide variant.
Coding change: c.2823+4A>G on transcript NM_000057.4 (MANE Select); 4 bases into the intron after coding-DNA position 2823, A replaced by G.
Molecular consequence: intron variant.
Genome position (GRCh38, 1-based): chr15:90,785,085, A>G. VCF-style: chr15-90785085-A-G. GRCh37 (hg19) VCF-style: chr15-91328315-A-G.
Other names: c.2823+4A>G (NM_001287246.2, NM_001287247.2); c.1698+4A>G (NM_001287248.2).
Identifiers: ClinVar variation 821858 (VCV000821858.5), dbSNP rs1168674610, ClinGen allele CA619579306.
Genomic context (GRCh38, chr15:90,785,085, plus strand): 5'-AGTGATTCTGCCAGAGATGAAGTGCAGCAGAAGTGGATTAATCAGGATGGCTGTCAGGTA[A>G]CATTTTTAAAGATAAACAAATAATAGAAATAATCTTTTATAGCATATAACCAAACATGCA-3'